The following is an entry in ClinVar:

NM_001303256.3(MORC2):c.1340T>G (p.Leu447Arg)

Gene: MORC2 (MORC family CW-type zinc finger 2; minus strand). Cytogenetic location: 22q12.2.
Variant type: single nucleotide variant.
Coding change: c.1340T>G on transcript NM_001303256.3 (MANE Select); coding-DNA position 1340, T replaced by G.
Protein change: p.Leu447Arg; replaces leucine 447 with arginine.
Molecular consequence: missense variant.
Genome position (GRCh38, 1-based): chr22:30,937,844, A>C on the plus strand (T>G on the coding strand, the complement: MORC2 is on the minus strand). VCF-style: chr22-30937844-A-C. GRCh37 (hg19) VCF-style: chr22-31333831-A-C.
Other names: c.1340T>G, p.Leu447Arg (NM_001303257.2); c.1154T>G, p.Leu385Arg (NM_014941.3); short protein forms L385R, L447R.
Identifiers: ClinVar variation 945998 (VCV000945998.8), dbSNP rs2040678770, ClinGen allele CA411238701.
Genomic context (GRCh38, chr22:30,937,844, plus strand): 5'-AGGCAGAGGCCCAGCAGCCCAGCCCCATTACCGATGGCAATATCCTTCCAATACTGCGCC[A>C]GGTGCTCCCCCATTGCTCGGAGCAGGTGCCGGTACTCCTTGGCATCAGCAAAGTCCTGTT-3'
Protein context (NP_001290185.1, residues 437-457): RHLLRAMGEH[Leu447Arg]AQYWKDIAIA

ClinVar aggregate classification (germline): Uncertain significance (1 of 4 stars; one submission).

Conditions:
Charcot-Marie-Tooth disease axonal type 2Z. Also called: CHARCOT-MARIE-TOOTH DISEASE, AXONAL, AUTOSOMAL DOMINANT, TYPE 2Z; CHARCOT-MARIE-TOOTH NEUROPATHY, TYPE 2Z. Identifiers: Orphanet 466768, MedGen C5569025, MONDO:0014736, OMIM 616688.

Submission:

Labcorp Genetics (formerly Invitae), Labcorp
Classification: Uncertain significance for Charcot-Marie-Tooth disease axonal type 2Z. Last evaluated: 2019-05-08. Review status: criteria provided, single submitter. Criteria: Invitae Variant Classification Sherloc (09022015). Collection method: clinical testing. Allele origin: germline.
Comment: In summary, the available evidence is currently insufficient to determine the role of this variant in disease. Therefore, it has been classified as a Variant of Uncertain Significance. Algorithms developed to predict the effect of missense changes on protein structure and function are either unavailable or do not agree on the potential impact of this missense change (SIFT: "Deleterious"; PolyPhen-2: "Possibly Damaging"; Align-GVGD: "Class C0"). This variant has not been reported in the literature in individuals with MORC2-related conditions. This variant is not present in population databases (ExAC no frequency). This sequence change replaces leucine with arginine at codon 447 of the MORC2 protein (p.Leu447Arg). The leucine residue is highly conserved and there is a moderate physicochemical difference between leucine and arginine.